The following is an entry in ClinVar:

ClinVar aggregate classification (germline): Likely benign (1 of 4 stars; one submission).

Conditions:
MYH1-related disorder. Also called: MYH1-related condition.

gnomAD v4.1: 461 of 1,614,184 alleles (0.029%); highest among the groups gnomAD compares: African/African-American, 0.51%; no homozygotes.

Submission:

PreventionGenetics, part of Exact Sciences
Classification: Likely benign for MYH1-related condition. Last evaluated: 2025-05-09. Review status: criteria provided, single submitter. Criteria: ACMG Guidelines, 2015. Collection method: clinical testing. Allele origin: germline.
Comment: This variant is classified as likely benign based on ACMG/AMP sequence variant interpretation guidelines (Richards et al. 2015 PMID: 25741868, with internal and published modifications).

NM_005963.4(MYH1):c.294C>T (p.His98=)

Genes: MYH1 (myosin heavy chain 1; minus strand), MYHAS (myosin heavy chain gene cluster antisense RNA; plus strand). Cytogenetic location: 17p13.1.
Variant type: single nucleotide variant.
Coding change: c.294C>T on transcript NM_005963.4 (MANE Select); coding-DNA position 294, C replaced by T.
Protein change: p.His98=; no amino-acid change (histidine 98 retained).
Molecular consequence: synonymous variant.
Genome position (GRCh38, 1-based): chr17:10,516,253, G>A on the plus strand (C>T on the coding strand, the complement: MYH1 is on the minus strand). VCF-style: chr17-10516253-G-A. GRCh37 (hg19) VCF-style: chr17-10419570-G-A.
Identifiers: ClinVar variation 4977092 (VCV004977092.1).